The following is an entry in ClinVar:

NM_001958.5(EEF1A2):c.1364C>T (p.Ala455Val)

Gene: EEF1A2 (eukaryotic translation elongation factor 1 alpha 2; minus strand). Cytogenetic location: 20q13.33.
Variant type: single nucleotide variant.
Coding change: c.1364C>T on transcript NM_001958.5 (MANE Select); coding-DNA position 1364, C replaced by T.
Protein change: p.Ala455Val; replaces alanine 455 with valine.
Molecular consequence: missense variant.
Genome position (GRCh38, 1-based): chr20:63,488,326, G>A on the plus strand (C>T on the coding strand, the complement: EEF1A2 is on the minus strand). VCF-style: chr20-63488326-G-A. GRCh37 (hg19) VCF-style: chr20-62119679-G-A.
Other names: short protein forms A455V.
Identifiers: ClinVar variation 4803163 (VCV004803163.1).
Genomic context (GRCh38, chr20:63,488,326, plus strand): 5'-CCGGGGAGGGTCGCGCCGCGGGCGCCCGCGCTTCACTTGCCCGCCTTCTGCGCCTTCTGC[G>A]CCGACTTGGTGACCTTGCCGGCGCCGCCGCTCTTCTTCTCCACGTTCTTGATGACGCCTA-3'
Protein context (NP_001949.1, residues 445-463): SGGAGKVTKS[Ala455Val]QKAQKAGK

ClinVar aggregate classification (germline): Uncertain significance (1 of 4 stars; one submission).

Conditions:
Developmental and epileptic encephalopathy, 33 (DEE33). Also called: Epileptic encephalopathy, early infantile, 33. Identifiers: Orphanet 442835, MedGen C4225337, MONDO:0014625, OMIM 616409.

Submission:

Labcorp Genetics (formerly Invitae), Labcorp
Classification: Uncertain significance for Developmental and epileptic encephalopathy, 33. Last evaluated: 2025-07-23. Review status: criteria provided, single submitter. Criteria: Invitae Variant Classification Sherloc (09022015). Collection method: clinical testing. Allele origin: germline.
Comment: This sequence change replaces alanine, which is neutral and non-polar, with valine, which is neutral and non-polar, at codon 455 of the EEF1A2 protein (p.Ala455Val). This variant is not present in population databases (gnomAD no frequency). This variant has not been reported in the literature in individuals affected with EEF1A2-related conditions. Invitae Evidence Modeling of protein sequence and biophysical properties (such as structural, functional, and spatial information, amino acid conservation, physicochemical variation, residue mobility, and thermodynamic stability) indicates that this missense variant is expected to disrupt EEF1A2 protein function with a positive predictive value of 95%. In summary, the available evidence is currently insufficient to determine the role of this variant in disease. Therefore, it has been classified as a Variant of Uncertain Significance.